The following is an entry in ClinVar:

ClinVar aggregate classification (germline): Uncertain significance (1 of 4 stars; one submission).

Conditions:
Cardiovascular phenotype. Identifiers: MedGen CN230736.

gnomAD v4.1: 3 of 1,601,666 alleles (0.00019%); highest among the groups gnomAD compares: Non-Finnish European, 0.00026%; no homozygotes.

Submission:

Ambry Genetics
Classification: Uncertain significance for Cardiovascular phenotype. Last evaluated: 2025-09-30. Review status: criteria provided, single submitter. Criteria: Ambry Variant Classification Scheme 2023. Collection method: clinical testing. Allele origin: germline.
Comment: The c.2281-2A>G intronic variant results from an A to G substitution two nucleotides upstream from coding exon 15 in the SCN10A gene. This nucleotide position is highly conserved in available vertebrate species. In silico splice site analysis predicts that this alteration will weaken the native splice acceptor site.The evidence for this gene-disease relationship is limited; therefore, the clinical significance of this alteration is unclear.

NM_006514.4(SCN10A):c.2281-2A>G

Gene: SCN10A (sodium voltage-gated channel alpha subunit 10; minus strand). Cytogenetic location: 3p22.2.
Variant type: single nucleotide variant.
Coding change: c.2281-2A>G on transcript NM_006514.4 (MANE Select); the canonical splice acceptor site of the intron before coding-DNA position 2281, A replaced by G.
Molecular consequence: splice acceptor variant.
Genome position (GRCh38, 1-based): chr3:38,728,903, T>C on the plus strand (A>G on the coding strand, the complement: SCN10A is on the minus strand). VCF-style: chr3-38728903-T-C. GRCh37 (hg19) VCF-style: chr3-38770394-T-C.
Other names: c.1987-2A>G (NM_001293307.2); c.2281-2A>G (NM_001293306.2).
Identifiers: ClinVar variation 4614870 (VCV004614870.1).
Genomic context (GRCh38, chr3:38,728,903, plus strand): 5'-ATGATCTTGATGAGTGTGTTTAAGGTGGGCCAGGATTTGGCCAGCTTGAATACGCGCAGC[T>C]GCAGAGAAACAGAGACCGTCAGGTTTTGGTAGCTGTGCTCATTACCTTTCATCTAAAGTT-3'